The following is an entry in ClinVar:

ClinVar aggregate classification (germline): Conflicting classifications of pathogenicity. Review status: criteria provided, conflicting classifications (1 of 4 stars). 3 submissions from 3 submitters: Uncertain significance (2); Likely benign (1). Last evaluated 2023-02-23.

Conditions:
Hereditary spastic paraplegia 46. Also called: Spastic paraplegia 46, autosomal recessive. Identifiers: Orphanet 320391, MedGen C2828721, MONDO:0013737, OMIM 614409.
Spastic paraplegia. Identifiers: MedGen C0037772, HP:0001258.
Inborn genetic diseases. Identifiers: MedGen C0950123, MeSH D030342.

Allele frequency attached by ClinVar (database versions not stated): gnomAD exomes 0.00003 and 0.00006; ExAC 0.00007; 1000 Genomes Project 30x 0.00016; 1000 Genomes Project 0.00020; gnomAD 0.00022 and 0.00024; TOPMed 0.00034; ESP Exome Variant Server 0.00038.

Submissions (3):

Ambry Genetics
Classification: Likely benign for Inborn genetic diseases. Last evaluated: 2023-02-23. Review status: criteria provided, single submitter. Criteria: Ambry Variant Classification Scheme 2023. Collection method: clinical testing. Allele origin: germline.

Labcorp Genetics (formerly Invitae), Labcorp
Classification: Uncertain significance for Spastic paraplegia. Last evaluated: 2021-09-01. Review status: criteria provided, single submitter. Criteria: Invitae Variant Classification Sherloc (09022015). Collection method: clinical testing. Allele origin: germline.
Comment: This sequence change replaces alanine with threonine at codon 453 of the GBA2 protein (p.Ala453Thr). The alanine residue is weakly conserved and there is a small physicochemical difference between alanine and threonine. This variant is present in population databases (rs145802357, ExAC 0.08%). This variant has not been reported in the literature in individuals affected with GBA2-related conditions. Algorithms developed to predict the effect of missense changes on protein structure and function output the following: SIFT: "Tolerated"; PolyPhen-2: "Benign"; Align-GVGD: "Class C0". The threonine amino acid residue is found in multiple mammalian species, which suggests that this missense change does not adversely affect protein function. In summary, the available evidence is currently insufficient to determine the role of this variant in disease. Therefore, it has been classified as a Variant of Uncertain Significance.

Baylor Genetics
Classification: Uncertain significance for Hereditary spastic paraplegia 46. Last evaluated: 2018-03-26. Review status: criteria provided, single submitter. Criteria: ACMG Guidelines, 2015. Collection method: clinical testing. Allele origin: unknown. Affected: yes.
Comment: This variant was determined to be of uncertain significance according to ACMG Guidelines, 2015 [PMID:25741868].

NM_020944.3(GBA2):c.1357G>A (p.Ala453Thr)

Gene: GBA2 (glucosylceramidase beta 2; minus strand). Cytogenetic location: 9p13.3.
Variant type: single nucleotide variant.
Coding change: c.1357G>A on transcript NM_020944.3 (MANE Select); coding-DNA position 1357, G replaced by A.
Protein change: p.Ala453Thr; replaces alanine 453 with threonine.
Molecular consequence: missense variant.
Genome position (GRCh38, 1-based): chr9:35,740,050, C>T on the plus strand (G>A on the coding strand, the complement: GBA2 is on the minus strand). VCF-style: chr9-35740050-C-T. GRCh37 (hg19) VCF-style: chr9-35740047-C-T.
Other names: c.1357G>A, p.Ala453Thr (NM_001330660.2); short protein forms A453T.
Identifiers: ClinVar variation 844142 (VCV000844142.8), dbSNP rs145802357, ClinGen allele CA5050436.